The following is an entry in ClinVar:

NM_014003.4(DHX38):c.2747C>T (p.Pro916Leu)

Gene: DHX38 (DEAH-box helicase 38; plus strand). Cytogenetic location: 16q22.2.
Variant type: single nucleotide variant.
Coding change: c.2747C>T on transcript NM_014003.4 (MANE Select); coding-DNA position 2747, C replaced by T.
Protein change: p.Pro916Leu; replaces proline 916 with leucine.
Molecular consequence: missense variant.
Genome position (GRCh38, 1-based): chr16:72,107,486, C>T. VCF-style: chr16-72107486-C-T. GRCh37 (hg19) VCF-style: chr16-72141385-C-T.
Other names: short protein forms P916L.
Identifiers: ClinVar variation 1437051 (VCV001437051.8), dbSNP rs995578851, ClinGen allele CA283690370.

ClinVar aggregate classification (germline): Uncertain significance (1 of 4 stars; one submission).

Allele frequency attached by ClinVar (database versions not stated): gnomAD exomes 0.00001.
gnomAD v4.1: 8 of 1,614,214 alleles (0.0005%); highest among the groups gnomAD compares: Non-Finnish European, 0.00068%; no homozygotes.

Submission:

Labcorp Genetics (formerly Invitae), Labcorp
Classification: Uncertain significance. Last evaluated: 2025-03-17. Review status: criteria provided, single submitter. Criteria: Invitae Variant Classification Sherloc (09022015). Collection method: clinical testing. Allele origin: germline.
Comment: This sequence change replaces proline, which is neutral and non-polar, with leucine, which is neutral and non-polar, at codon 916 of the DHX38 protein (p.Pro916Leu). This variant is not present in population databases (gnomAD no frequency). This variant has not been reported in the literature in individuals affected with DHX38-related conditions. ClinVar contains an entry for this variant (Variation ID: 1437051). Invitae Evidence Modeling of protein sequence and biophysical properties (such as structural, functional, and spatial information, amino acid conservation, physicochemical variation, residue mobility, and thermodynamic stability) indicates that this missense variant is expected to disrupt DHX38 protein function with a positive predictive value of 80%. In summary, the available evidence is currently insufficient to determine the role of this variant in disease. Therefore, it has been classified as a Variant of Uncertain Significance.